The following is an entry in ClinVar:

ClinVar aggregate classification (germline): Likely benign. Review status: criteria provided, multiple submitters, no conflicts (2 of 4 stars). 5 submissions from 5 submitters: Likely benign (5). Last evaluated 2025-12-13.

Conditions:
Melnick-Needles syndrome (MNS). Also called: Melnick-Needles Syndrome (FLNA-MNS); MELNICK-NEEDLES OSTEODYSPLASTY; OSTEODYSPLASTY OF MELNICK AND NEEDLES. Identifiers: Orphanet 2484, MedGen C0025237, MONDO:0010650, OMIM 309350.
Oto-palato-digital syndrome, type II (OPD2). Also called: FACIOPALATOOSSEOUS SYNDROME; Otopalatodigital Syndrome Type 2 (FLNA-OPD2); OPD II SYNDROME; Otopalatodigital Syndrome, Type II. Identifiers: Orphanet 669, Orphanet 90652, MedGen C1844696, MONDO:0010571, OMIM 304120.
Frontometaphyseal dysplasia (FMD1). Identifiers: Orphanet 1826, MedGen C0265293, MONDO:0015942.
Heterotopia, periventricular, X-linked dominant (PVNH1). Also called: PERIVENTRICULAR NODULAR HETEROTOPIA 1; X-linked periventricular heterotopia; PERIVENTRICULAR NODULAR HETEROTOPIA 4; HETEROTOPIA, PERIVENTRICULAR, 1. Identifiers: Orphanet 2149, Orphanet 82004, MedGen C1848213, MONDO:0010233, OMIM 300049.
Familial thoracic aortic aneurysm and aortic dissection (TAAD). Also called: Thoracic aortic aneurysms and dissections. Identifiers: Orphanet 91387, MedGen C4707243, MONDO:0019625.

Allele frequency attached by ClinVar (database versions not stated): gnomAD 0.00002; gnomAD exomes 0.00003 and 0.00008; TOPMed 0.00003; ExAC 0.00007; ESP Exome Variant Server 0.00010.
gnomAD v4.1: 86 of 1,209,759 alleles (0.0071%); highest among the groups gnomAD compares: Non-Finnish European, 0.0092%; no homozygotes.

Submissions (5):

Labcorp Genetics (formerly Invitae), Labcorp
Classification: Likely benign for Oto-palato-digital syndrome, type II; Heterotopia, periventricular, X-linked dominant; Frontometaphyseal dysplasia; Melnick-Needles syndrome. Last evaluated: 2025-12-13. Review status: criteria provided, single submitter. Criteria: Invitae Variant Classification Sherloc (09022015). Collection method: clinical testing. Allele origin: germline.

Mayo Clinic Laboratories, Mayo Clinic
Classification: Likely benign. Last evaluated: 2025-03-11. Review status: criteria provided, single submitter. Criteria: ACMG Guidelines, 2015. Collection method: clinical testing. Allele origin: germline. Observed: 1 variant allele.
Comment: BP4, BP7

ARUP Laboratories, Molecular Genetics and Genomics, ARUP Laboratories
Classification: Likely benign. Last evaluated: 2024-10-08. Review status: criteria provided, single submitter. Criteria: ARUP Molecular Germline Variant Investigation Process 2024. Collection method: clinical testing. Allele origin: germline.

Blueprint Genetics
Classification: Likely benign. Last evaluated: 2024-07-15. Review status: criteria provided, single submitter. Criteria: ACMG Guidelines, 2015. Collection method: clinical testing. Allele origin: germline.

Ambry Genetics
Classification: Likely benign for Familial thoracic aortic aneurysm and aortic dissection. Last evaluated: 2023-03-24. Review status: criteria provided, single submitter. Criteria: Ambry Variant Classification Scheme 2023. Collection method: clinical testing. Allele origin: germline.

NM_001110556.2(FLNA):c.7095T>C (p.Asp2365=)

Gene: FLNA (filamin A; minus strand). Cytogenetic location: Xq28.
Variant type: single nucleotide variant.
Coding change: c.7095T>C on transcript NM_001110556.2 (MANE Select); coding-DNA position 7095, T replaced by C.
Protein change: p.Asp2365=; no amino-acid change (aspartic acid 2365 retained).
Molecular consequence: synonymous variant.
Genome position (GRCh38, 1-based): chrX:154,350,970, A>G on the plus strand (T>C on the coding strand, the complement: FLNA is on the minus strand). VCF-style: chrX-154350970-A-G. GRCh37 (hg19) VCF-style: chrX-153579338-A-G.
Other names: p.Asp2357=; c.7071T>C, p.Asp2357= (NM_001456.4); c.7071T>C (NM_001456.3).
Identifiers: ClinVar variation 1596510 (VCV001596510.13), dbSNP rs375369548, ClinGen allele CA10559956.